The following is an entry in ClinVar:

NM_001034853.2(RPGR):c.264_265del (p.Lys88fs)

Gene: RPGR (retinitis pigmentosa GTPase regulator; minus strand). Cytogenetic location: Xp11.4.
Variant type: Deletion.
Coding change: c.264_265del on transcript NM_001034853.2 (MANE Select); coding-DNA positions 264 to 265, 2 bases deleted (AG; older notation c.264_265delAG).
Protein change: p.Lys88fs; shifts the reading frame from lysine 88.
Molecular consequence: frameshift variant. On other transcripts: non-coding transcript variant (6).
Genome position (GRCh38, 1-based): chrX:38,321,072-38,321,073, CT deleted on the plus strand (AG on the coding strand, the reverse complement: RPGR is on the minus strand). VCF-style (leftmost placement, unchanged base first): chrX-38321071-ACT-A. GRCh37 (hg19) VCF-style: chrX-38180324-ACT-A.
Other names: c.264_265del, p.Lys88fs (NM_000328.3, NM_001367245.1, NM_001367246.1 and 4 more transcripts); c.294_295del, p.Lys98fs (NM_001367248.1); short protein forms K88fs, K98fs.
Identifiers: ClinVar variation 1297115 (VCV001297115.2), dbSNP rs2147285764, ClinGen allele CA2499226698.

ClinVar aggregate classification (germline): Likely pathogenic (1 of 4 stars; one submission).

Conditions:
Retinitis pigmentosa (RP). Identifiers: Orphanet 791, MedGen C0035334, MeSH D012174, MONDO:0019200, OMIM 268000. Inheritance: Autosomal dominant, autosomal recessive and X linked inheritance.

Submission:

Broad Center for Mendelian Genomics, Broad Institute of MIT and Harvard
Classification: Likely pathogenic for Retinitis pigmentosa. Last evaluated: 2021-04-01. Review status: criteria provided, single submitter. Criteria: ACMG Guidelines, 2015. Collection method: curation. Allele origin: germline. Inheritance: X-linked inheritance. Affected: yes.
Comment: Through a review of available evidence we were able to apply the following criteria: PVS1, PM2. Based on this evidence we have classified this variant as Likely Pathogenic. If you have any questions about the classification please reach out to the Pierce Lab.

Literature cited by the submitters: PubMed 34906470.